The following is an entry in ClinVar:

ClinVar aggregate classification (germline): Pathogenic. Review status: criteria provided, single submitter (1 of 4 stars). 2 submissions from 2 submitters: Pathogenic (1). 1 of the submissions does not count toward it. Last evaluated 2024-11-01.

Conditions:
Kleefstra syndrome 1 (KLEFS1). Identifiers: Orphanet 261494, MedGen C0795833, MONDO:0027407, OMIM 610253.

Submissions (2):

Clinical Genetics Center, Xinhua Hospital affiliated to Shanghai Jiao Tong University School of Medicine
Classification: Pathogenic for Kleefstra syndrome 1. Last evaluated: 2024-11-01. Review status: criteria provided, single submitter. Criteria: ACMG Guidelines, 2015. Collection method: clinical testing. Allele origin: de novo. Affected: yes.
Comment: PVS1+PM6+PM2_Supporting

Genetics Laboratory, The Affiliated Women's and Children's Hospital of Qingdao University
Classification: Pathogenic for Kleefstra syndrome 1. Last evaluated: 2024-01-13. Review status: no assertion criteria provided. Collection method: research. Allele origin: germline. Inheritance: Autosomal dominant inheritance. Affected: yes. Not counted in ClinVar's aggregate classification.
Comment: Whole exome sequencing analysis of the preclear showed a heterozygous variant c.2382+1G>T within exon 15 of the EHMT1 gene in the preclear, which is a splice-site mutation resulting in the loss of exon 15 in jump splicing (PVS1), and which is not reported in the normal population gene database (allele frequency (%): gnomeAD: . . ;1000 Genome:. ;ExAC:.) (PM2_PP); According to the ACMG (The American College of Medical Genetics and Genomics) Variant Classification Guidelines [1-13], this variant is a pathogenic variant (ACMG: PVS+PS+PP).

NM_024757.5(EHMT1):c.2382+1G>T

Gene: EHMT1 (euchromatic histone lysine methyltransferase 1; plus strand). Cytogenetic location: 9q34.3.
Variant type: single nucleotide variant.
Coding change: c.2382+1G>T on transcript NM_024757.5 (MANE Select); the canonical splice donor site of the intron after coding-DNA position 2382, G replaced by T.
Molecular consequence: splice donor variant.
Genome position (GRCh38, 1-based): chr9:137,782,398, G>T. VCF-style: chr9-137782398-G-T. GRCh37 (hg19) VCF-style: chr9-140676850-G-T.
Other names: c.2361+1G>T (NM_001354263.2); c.2289+1G>T (NM_001354259.2); c.2382+1G>T (NM_001145527.2).
Identifiers: ClinVar variation 3340460 (VCV003340460.3).